The following is an entry in ClinVar:

ClinVar aggregate classification (germline): Pathogenic. Review status: criteria provided, multiple submitters, no conflicts (2 of 4 stars). 2 submissions from 2 submitters: Pathogenic (2). Last evaluated 2024-03-26.

Conditions:
Mucopolysaccharidosis, MPS-IV-A (MPS4A). Also called: Mucopolysaccharidosis type IV A; Mucopolysaccharidosis Type IVA; Morquio syndrome A, mild; MORQUIO SYNDROME A; MPS IVA; mucopolysaccharidosis type 4A. Identifiers: Orphanet 309297, Orphanet 582, MedGen C0086651, MONDO:0009659, OMIM 253000.

gnomAD v4.1: 2 of 1,613,296 alleles (0.00012%); highest among the groups gnomAD compares: Non-Finnish European, 0.00017%; no homozygotes.

Submissions (2):

Genomic Medicine Center of Excellence, King Faisal Specialist Hospital and Research Centre
Classification: Pathogenic for Mucopolysaccharidosis, MPS-IV-A. Last evaluated: 2024-03-26. Review status: criteria provided, single submitter. Criteria: ACMG Guidelines, 2015. Collection method: clinical testing. Allele origin: germline.

Laboratory of Diagnosis and Therapy of Lysosomal Disorders, University of Padova
Classification: Pathogenic for Mucopolysaccharidosis, MPS-IV-A. Last evaluated: 2021-02-01. Review status: criteria provided, single submitter. Criteria: ACMG Guidelines, 2015. Collection method: research. Allele origin: germline. Affected: yes.
Comment: Splicing variant in canonical site (PVS1_very strong); in vivo functional studies supportive of a damaging effect on the gene product (low to null enzymatic activity in homozygotes; PS3_supporting); absent from gnomAD v2.1.1 (PM2_moderate)

Literature cited by the submitters: PubMed 23876334 (cited by Laboratory of Diagnosis and Therapy of Lysosomal Disorders, University of Padova); PubMed 24726177 (cited by Laboratory of Diagnosis and Therapy of Lysosomal Disorders, University of Padova); PubMed 34387910 (cited by Laboratory of Diagnosis and Therapy of Lysosomal Disorders, University of Padova).

NM_000512.5(GALNS):c.121-1G>A

Gene: GALNS (galactosamine (N-acetyl)-6-sulfatase; minus strand). Cytogenetic location: 16q24.3.
Variant type: single nucleotide variant.
Coding change: c.121-1G>A on transcript NM_000512.5 (MANE Select); the canonical splice acceptor site of the intron before coding-DNA position 121, G replaced by A.
Molecular consequence: splice acceptor variant. On other transcripts: intron variant (1).
Genome position (GRCh38, 1-based): chr16:88,842,830, C>T on the plus strand (G>A on the coding strand, the complement: GALNS is on the minus strand). VCF-style: chr16-88842830-C-T. GRCh37 (hg19) VCF-style: chr16-88909238-C-T.
Other names: c.-311-859G>A (NM_001323543.2); c.139-1G>A (NM_001323544.2).
Identifiers: ClinVar variation 1048376 (VCV001048376.4), dbSNP rs1312522259, ClinGen allele CA397092203.
Genomic context (GRCh38, chr16:88,842,830, plus strand): 5'-GTCCAAATTCGGGGTCTCTCTGGAGGGCTCTCCATACACCCCGAGGTCACCCCATCCCAT[C>T]TGCAGGGAAGAGCACGGGGAGGAGGAATGAGCGCCTTCTGCAGGTGCTTCTGGCCTGGGG-3'